The following is an entry in ClinVar:

ClinVar aggregate classification (germline): Uncertain significance (1 of 4 stars; one submission).

gnomAD v4.1: 3 of 1,614,134 alleles (0.00019%); highest among the groups gnomAD compares: Non-Finnish European, 0.00017%; no homozygotes.

Submission:

GeneDx
Classification: Uncertain significance. Last evaluated: 2024-05-26. Review status: criteria provided, single submitter. Criteria: GeneDx Variant Classification Process June 2021. Collection method: clinical testing. Allele origin: germline. Affected: yes.
Comment: Not observed at significant frequency in large population cohorts (gnomAD); In silico analysis supports that this missense variant has a deleterious effect on protein structure/function; Has not been previously published as pathogenic or benign to our knowledge

NM_153766.3(KCNJ1):c.952T>C (p.Tyr318His)

Gene: KCNJ1 (potassium inwardly rectifying channel subfamily J member 1; minus strand). Cytogenetic location: 11q24.3.
Variant type: single nucleotide variant.
Coding change: c.952T>C on transcript NM_153766.3 (MANE Select); coding-DNA position 952, T replaced by C.
Protein change: p.Tyr318His; replaces tyrosine 318 with histidine.
Molecular consequence: missense variant.
Genome position (GRCh38, 1-based): chr11:128,839,292, A>G on the plus strand (T>C on the coding strand, the complement: KCNJ1 is on the minus strand). VCF-style: chr11-128839292-A-G. GRCh37 (hg19) VCF-style: chr11-128709187-A-G.
Other names: c.1009T>C, p.Tyr337His (NM_000220.6); c.952T>C, p.Tyr318His (NM_153764.3, NM_153767.4); c.1003T>C, p.Tyr335His (NM_153765.3); short protein forms Y318H, Y335H, Y337H.
Identifiers: ClinVar variation 3383468 (VCV003383468.1).